The following is an entry in ClinVar:

NM_001843.4(CNTN1):c.482dup (p.Tyr162fs)

Gene: CNTN1 (contactin 1; plus strand). Cytogenetic location: 12q12.
Variant type: Duplication.
Coding change: c.482dup on transcript NM_001843.4 (MANE Select); coding-DNA position 482, one base duplicated (C; older notation c.482dupC).
Protein change: p.Tyr162fs; shifts the reading frame from tyrosine 162.
Molecular consequence: frameshift variant.
Genome position (GRCh38, 1-based): chr12:40,924,638, C duplicated; the last of 6 consecutive C bases (chr12:40,924,633-40,924,638); duplicating any one gives the same sequence. VCF-style (leftmost placement, unchanged base first): chr12-40924632-A-AC. GRCh37 (hg19) VCF-style: chr12-41318434-A-AC.
Other names: c.482dup, p.Tyr162fs (NM_001256063.2, NM_001256064.2); c.449dup, p.Tyr151fs (NM_175038.2); short protein forms Y151fs, Y162fs.
Identifiers: ClinVar variation 2995467 (VCV002995467.1), dbSNP rs1410982143, ClinGen allele CA604521675.

ClinVar aggregate classification (germline): Pathogenic (1 of 4 stars; one submission).

Conditions:
Compton-North congenital myopathy (CMYO12). Identifiers: Orphanet 210163, MedGen C2675527, MONDO:0012929, OMIM 612540.

Submission:

Labcorp Genetics (formerly Invitae), Labcorp
Classification: Pathogenic for Compton-North congenital myopathy. Last evaluated: 2023-02-08. Review status: criteria provided, single submitter. Criteria: Invitae Variant Classification Sherloc (09022015). Collection method: clinical testing. Allele origin: germline.
Comment: This sequence change creates a premature translational stop signal (p.Tyr162Ilefs*6) in the CNTN1 gene. It is expected to result in an absent or disrupted protein product. Loss-of-function variants in CNTN1 are known to be pathogenic (PMID: 19026398, 22242131). This variant is present in population databases (no rsID available, gnomAD 0.007%). This variant has not been reported in the literature in individuals affected with CNTN1-related conditions. For these reasons, this variant has been classified as Pathogenic.

Literature cited by the submitters: PubMed 19026398; PubMed 22242131.